The following is an entry in ClinVar:

ClinVar aggregate classification (germline): Uncertain significance (1 of 4 stars; one submission).

Conditions:
Familial sleep-related hypermotor epilepsy. Also called: Autosomal Dominant Sleep-Related Hypermotor (Hyperkinetic) Epilepsy. Identifiers: Orphanet 98784, MedGen C3696898, MONDO:0000030.

Allele frequency attached by ClinVar (database versions not stated): TOPMed below 0.00001.

Submission:

Labcorp Genetics (formerly Invitae), Labcorp
Classification: Uncertain significance. Last evaluated: 2022-11-03. Review status: criteria provided, single submitter. Criteria: Invitae Variant Classification Sherloc (09022015). Collection method: clinical testing. Allele origin: germline.
Comment: In summary, the available evidence is currently insufficient to determine the role of this variant in disease. Therefore, it has been classified as a Variant of Uncertain Significance. Advanced modeling of protein sequence and biophysical properties (such as structural, functional, and spatial information, amino acid conservation, physicochemical variation, residue mobility, and thermodynamic stability) performed at Invitae indicates that this missense variant is not expected to disrupt CHRNA2 protein function. ClinVar contains an entry for this variant (Variation ID: 1418765). This variant has not been reported in the literature in individuals affected with CHRNA2-related conditions. This variant is not present in population databases (gnomAD no frequency). This sequence change replaces glutamic acid, which is acidic and polar, with lysine, which is basic and polar, at codon 414 of the CHRNA2 protein (p.Glu414Lys).

NM_000742.4(CHRNA2):c.1240G>A (p.Glu414Lys)

Gene: CHRNA2 (cholinergic receptor nicotinic alpha 2 subunit; minus strand). Cytogenetic location: 8p21.2.
Variant type: single nucleotide variant.
Coding change: c.1240G>A on transcript NM_000742.4 (MANE Select); coding-DNA position 1240, G replaced by A.
Protein change: p.Glu414Lys; replaces glutamic acid 414 with lysine.
Molecular consequence: missense variant.
Genome position (GRCh38, 1-based): chr8:27,463,203, C>T on the plus strand (G>A on the coding strand, the complement: CHRNA2 is on the minus strand). VCF-style: chr8-27463203-C-T. GRCh37 (hg19) VCF-style: chr8-27320720-C-T.
Other names: c.1195G>A, p.Glu399Lys (NM_001282455.2); c.763G>A, p.Glu255Lys (NM_001347705.2, NM_001347706.2); c.646G>A, p.Glu216Lys (NM_001347707.2, NM_001347708.2); short protein forms E216K, E414K, E255K, E399K.
Identifiers: ClinVar variation 1418765 (VCV001418765.8), dbSNP rs968676056, ClinGen allele CA174241360.
Genomic context (GRCh38, chr8:27,463,203, plus strand): 5'-CCACAGAGGGGGCCACATGACCTGCACATGCCCATCTGTCCTCCTCCTCCACCACCACCT[C>T]CCTCTCCTCGGCATCCACGTTGCTCTCCAGCCAGTGATAAGAGGGGCTGAGCTTCAGGCG-3'
Protein context (NP_000733.2, residues 404-424): LESNVDAEER[Glu414Lys]VVVEEEDRWA